The following is an entry in ClinVar:

NM_024675.4(PALB2):c.3490T>A (p.Trp1164Arg)

Gene: PALB2 (partner and localizer of BRCA2; minus strand). Cytogenetic location: 16p12.2.
Variant type: single nucleotide variant.
Coding change: c.3490T>A on transcript NM_024675.4 (MANE Select); coding-DNA position 3490, T replaced by A.
Protein change: p.Trp1164Arg; replaces tryptophan 1164 with arginine.
Molecular consequence: missense variant.
Genome position (GRCh38, 1-based): chr16:23,603,530, A>T on the plus strand (T>A on the coding strand, the complement: PALB2 is on the minus strand). VCF-style: chr16-23603530-A-T. GRCh37 (hg19) VCF-style: chr16-23614851-A-T.
Other names: short protein forms W1164R.
Identifiers: ClinVar variation 631109 (VCV000631109.5), dbSNP rs751979432, ClinGen allele CA395137939.

ClinVar aggregate classification (germline): Uncertain significance (1 of 4 stars; one submission).

Conditions:
Hereditary cancer-predisposing syndrome. Also called: Tumor predisposition; Neoplastic Syndromes, Hereditary; Hereditary neoplastic syndrome; Hereditary Cancer Syndrome. Identifiers: Orphanet 140162, MedGen C0027672, MeSH D009386, MONDO:0015356.

Submission:

Color Diagnostics, LLC DBA Color Health
Classification: Uncertain significance for Hereditary cancer-predisposing syndrome. Last evaluated: 2023-12-05. Review status: criteria provided, single submitter. Criteria: ACMG Guidelines, 2015. Collection method: clinical testing. Allele origin: germline.
Comment: This missense variant replaces tryptophan with arginine at codon 1164 of the PALB2 protein. Computational prediction is inconclusive regarding the impact of this variant on protein structure and function (internally defined REVEL score threshold 0.5 < inconclusive < 0.7, PMID: 27666373). To our knowledge, functional studies have not been reported for this variant. This variant has not been reported in individuals affected with PALB2-related disorders in the literature. This variant has not been identified in the general population by the Genome Aggregation Database (gnomAD). The available evidence is insufficient to determine the role of this variant in disease conclusively. Therefore, this variant is classified as a Variant of Uncertain Significance.